The following is an entry in ClinVar:

NM_023110.3(FGFR1):c.1968G>T (p.Lys656Asn)

Gene: FGFR1 (fibroblast growth factor receptor 1; minus strand). Cytogenetic location: 8p11.23.
Variant type: single nucleotide variant.
Coding change: c.1968G>T on transcript NM_023110.3 (MANE Select); coding-DNA position 1968, G replaced by T.
Protein change: p.Lys656Asn; replaces lysine 656 with asparagine.
Molecular consequence: missense variant.
Genome position (GRCh38, 1-based): chr8:38,414,788, C>A on the plus strand (G>T on the coding strand, the complement: FGFR1 is on the minus strand). VCF-style: chr8-38414788-C-A. GRCh37 (hg19) VCF-style: chr8-38272306-C-A.
Other names: c.2061G>T, p.Lys687Asn (NM_001174067.2); c.1962G>T, p.Lys654Asn (NM_001354367.2, NM_015850.4, NM_001174063.2 and 1 more transcripts); c.1689G>T, p.Lys563Asn (NM_001354368.2); c.1956G>T, p.Lys652Asn (NM_001354369.2, NM_001410922.1); c.1695G>T, p.Lys565Asn (NM_001354370.2, NM_023106.3); c.1701G>T, p.Lys567Asn (NM_023105.3, NM_001174066.2); c.1938G>T, p.Lys646Asn (NM_001174064.2); short protein forms K563N, K565N, K567N, K646N, K652N, K654N, K656N, K687N.
Identifiers: ClinVar variation 4530559 (VCV004530559.1).

ClinVar aggregate classification (somatic clinical impact): Tier I - Strong (1 of 4 stars; one submission).

Conditions:
Pilocytic astrocytoma. Also called: Pilocytic astrocytoma, somatic. Identifiers: Orphanet 251612, MedGen C0334583, MONDO:0016691, HP:0033680.

Submission:

Institute for Genomic Medicine (IGM) Clinical Laboratory, Nationwide Children's Hospital
Classification: Tier I - Strong for Pilocytic astrocytoma. Assertion type: diagnostic. Clinical significance: supports diagnosis. Last evaluated: 2025-05-29. Review status: criteria provided, single submitter. Criteria: AMP/ASCO/CAP Guidelines, 2017. Collection method: clinical testing. Allele origin: somatic. Affected: yes.
Comment: Variant has Tier I (strong) clinical significance as a diagnostic inclusion criterion in pilocytic astrocytoma, based on the following evidence: 1) Documented in one or more cancer databases (e.g., St. Jude Pecan, COSMIC, CIViC, OncoKB). 2) Appears in one or more well-established professional guidelines (e.g., World Health Organization [WHO]; National Comprehensive Cancer Network [NCCN]) as providing diagnostic, prognostic, or therapeutic information. 3) Information in the literature supports potential biologic effect of variant (PMID: 26864631). 4) Diagnostic for a specific tumor type/classification according to professional guidelines (Evidence Level A; PMIDs: 23817572, 23583981, 31673897, 32059187, 27701736, 33352931, 32289278, 26083571, 35018490, 28912153).

Literature cited by the submitters: PubMed 26864631; PubMed 23817572; PubMed 23583981; PubMed 31673897; PubMed 32059187; PubMed 27701736; PubMed 33352931; PubMed 32289278; PubMed 26083571; PubMed 35018490; PubMed 28912153.